The following is an entry in ClinVar:

ClinVar aggregate classification (germline): Uncertain significance (1 of 4 stars; one submission).

Submission:

GeneDx
Classification: Uncertain significance. Last evaluated: 2025-06-04. Review status: criteria provided, single submitter. Criteria: GeneDx Variant Classification Process June 2021. Collection method: clinical testing. Allele origin: germline. Affected: yes.
Comment: Not observed at significant frequency in large population cohorts (gnomAD); In silico analysis supports that this missense variant has a deleterious effect on protein structure/function; Has not been previously published as pathogenic or benign to our knowledge

NM_181303.2(NLGN3):c.257C>A (p.Pro86His)

Gene: NLGN3 (neuroligin 3; plus strand). Cytogenetic location: Xq13.1.
Variant type: single nucleotide variant.
Coding change: c.257C>A on transcript NM_181303.2 (MANE Select); coding-DNA position 257, C replaced by A.
Protein change: p.Pro86His; replaces proline 86 with histidine.
Molecular consequence: missense variant. On other transcripts: intron variant (4).
Genome position (GRCh38, 1-based): chrX:71,148,006, C>A. VCF-style: chrX-71148006-C-A. GRCh37 (hg19) VCF-style: chrX-70367856-C-A.
Other names: c.257C>A, p.Pro86His (NM_001166660.2, NM_018977.4); c.-38-57C>A (NM_001438296.1, NM_001438298.1, NM_001437941.1 and 1 more transcripts); short protein forms P86H.
Identifiers: ClinVar variation 4536598 (VCV004536598.1).